The following is an entry in ClinVar:

ClinVar aggregate classification (germline): Uncertain significance. Review status: criteria provided, multiple submitters, no conflicts (2 of 4 stars). 2 submissions from 2 submitters: Uncertain significance (2). Last evaluated 2025-09-09.

Conditions:
OTOG-related disorder. Also called: OTOG-related condition.

gnomAD v4.1: 19 of 1,550,814 alleles (0.0012%); highest among the groups gnomAD compares: Non-Finnish European, 0.0012%; no homozygotes.

Submissions (2):

PreventionGenetics, part of Exact Sciences
Classification: Uncertain significance for OTOG-related condition. Last evaluated: 2025-09-09. Review status: criteria provided, single submitter. Criteria: ACMG Guidelines, 2015. Collection method: clinical testing. Allele origin: germline.
Comment: The OTOG c.994C>T variant is predicted to result in the amino acid substitution p.Arg332Cys. To our knowledge, this variant has not been reported in the literature. This variant is reported in 0.0018% of alleles in individuals of European (Non-Finnish) descent in gnomAD. At this time, the clinical significance of this variant is uncertain due to the absence of conclusive functional and genetic evidence.

GeneDx
Classification: Uncertain significance. Last evaluated: 2025-03-19. Review status: criteria provided, single submitter. Criteria: GeneDx Variant Classification Process June 2021. Collection method: clinical testing. Allele origin: germline. Affected: yes.
Comment: Not observed at significant frequency in large population cohorts (gnomAD); In silico analysis indicates that this missense variant does not alter protein structure/function; Has not been previously published as pathogenic or benign to our knowledge

NM_001292063.2(OTOG):c.958C>T (p.Arg320Cys)

Gene: OTOG (otogelin; plus strand). Cytogenetic location: 11p15.1.
Variant type: single nucleotide variant.
Coding change: c.958C>T on transcript NM_001292063.2 (MANE Select); coding-DNA position 958, C replaced by T.
Protein change: p.Arg320Cys; replaces arginine 320 with cysteine.
Molecular consequence: missense variant.
Genome position (GRCh38, 1-based): chr11:17,558,277, C>T. VCF-style: chr11-17558277-C-T. GRCh37 (hg19) VCF-style: chr11-17579824-C-T.
Other names: c.994C>T, p.Arg332Cys (NM_001277269.2); short protein forms R320C, R332C.
Identifiers: ClinVar variation 4086551 (VCV004086551.2).